The following is an entry in ClinVar:

NM_005051.3(QARS1):c.169T>C (p.Tyr57His)

Gene: QARS1 (glutaminyl-tRNA synthetase 1; minus strand). Cytogenetic location: 3p21.31.
Variant type: single nucleotide variant.
Coding change: c.169T>C on transcript NM_005051.3 (MANE Select); coding-DNA position 169, T replaced by C.
Protein change: p.Tyr57His; replaces tyrosine 57 with histidine.
Molecular consequence: missense variant. On other transcripts: non-coding transcript variant (1).
Genome position (GRCh38, 1-based): chr3:49,104,420, A>G on the plus strand (T>C on the coding strand, the complement: QARS1 is on the minus strand). VCF-style: chr3-49104420-A-G. GRCh37 (hg19) VCF-style: chr3-49141853-A-G.
Other names: c.169T>C, p.Tyr57His (NM_001272073.2); short protein forms Y57H.
Identifiers: ClinVar variation 127117 (VCV000127117.19), dbSNP rs587777333, ClinGen allele CA214475.

ClinVar aggregate classification (germline): Likely pathogenic. Review status: criteria provided, single submitter (1 of 4 stars). 2 submissions from 2 submitters: Likely pathogenic (1). 1 of the submissions does not count toward it. Last evaluated 2024-07-01.

Conditions:
Diffuse cerebral and cerebellar atrophy - intractable seizures - progressive microcephaly syndrome. Also called: Microcephaly, progressive, with seizures and cerebral and cerebellar atrophy. Identifiers: Orphanet 404437, MedGen C4014239, MONDO:0014335, OMIM 615760.

Allele frequency attached by ClinVar (database versions not stated): gnomAD exomes below 0.00001; ExAC 0.00001.
gnomAD v4.1: 4 of 1,614,216 alleles (0.00025%); highest among the groups gnomAD compares: Non-Finnish European, 0.00034%; no homozygotes.

Submissions (2):

CeGaT Center for Human Genetics Tuebingen
Classification: Likely pathogenic. Last evaluated: 2024-07-01. Review status: criteria provided, single submitter. Criteria: CeGaT Center For Human Genetics Tuebingen Variant Classification Criteria Version 2. Collection method: clinical testing. Allele origin: germline. Affected: yes. Observed: 1 variant allele.
Comment: QARS1: PP1:Strong, PM2, PM3, PS3:Supporting

OMIM
Classification: Pathogenic for MICROCEPHALY, PROGRESSIVE, WITH SEIZURES AND CEREBRAL AND CEREBELLAR ATROPHY. Last evaluated: 2014-04-03. Review status: no assertion criteria provided. Collection method: literature only. Allele origin: germline. Not counted in ClinVar's aggregate classification.

Literature cited by the submitters: PubMed 24656866 (cited by OMIM).